The following is an entry in ClinVar:

ClinVar aggregate classification (germline): Benign/Likely benign. Review status: criteria provided, multiple submitters, no conflicts (2 of 4 stars). 12 submissions from 12 submitters: Benign (4); Likely benign (4). 4 of the submissions do not count toward it. Last evaluated 2026-02-01.

Conditions:
Androgen resistance syndrome (AIS). Also called: DHTR DEFICIENCY; Androgen insensitivity; ANDROGEN RECEPTOR DEFICIENCY; Androgen insensitivity syndrome; DIHYDROTESTOSTERONE RECEPTOR DEFICIENCY; Androgen insensitivity, complete. Identifiers: Orphanet 754, Orphanet 99429, MedGen C0039585, MONDO:0019154, OMIM 300068. Disease mechanism: loss of function.
Kennedy disease (SMAX1). Also called: SPINAL AND BULBAR MUSCULAR ATROPHY, X-LINKED 1; Spinal and Bulbar Muscular Atrophy; KENNEDY SPINAL AND BULBAR MUSCULAR ATROPHY. Identifiers: Orphanet 481, MedGen C1839259, MONDO:0010735, OMIM 313200.

Submissions (12):

Labcorp Genetics (formerly Invitae), Labcorp
Classification: Benign for Kennedy disease; Androgen resistance syndrome. Last evaluated: 2026-02-01. Review status: criteria provided, single submitter. Criteria: Invitae Variant Classification Sherloc (09022015). Collection method: clinical testing. Allele origin: germline.

Laboratory of Genetics, Children's Clinical University Hospital Latvia
Classification: Benign. Last evaluated: 2025-02-16. Review status: criteria provided, single submitter. Criteria: ACMG Guidelines, 2015. Collection method: clinical testing. Allele origin: germline. Affected: yes.

Blueprint Genetics
Classification: Likely benign. Last evaluated: 2024-11-28. Review status: criteria provided, single submitter. Criteria: ACMG Guidelines, 2015. Collection method: clinical testing. Allele origin: germline.

Mendelics
Classification: Benign. Last evaluated: 2022-05-04. Review status: criteria provided, single submitter. Criteria: Mendelics Assertion Criteria 2019. Collection method: clinical testing. Allele origin: germline.

Genomic Research Center, Shahid Beheshti University of Medical Sciences
Classification: Likely benign. Last evaluated: 2020-05-03. Review status: criteria provided, single submitter. Criteria: ACMG Guidelines, 2015. Collection method: clinical testing. Allele origin: unknown. Affected: yes.

CeGaT Center for Human Genetics Tuebingen
Classification: Likely benign. Last evaluated: 2016-10-01. Review status: criteria provided, single submitter. Criteria: CeGaT Center For Human Genetics Tuebingen Variant Classification Criteria Version 2. Collection method: clinical testing. Allele origin: germline. Affected: yes. Observed: 1 variant allele.

Genetic Services Laboratory, University of Chicago
Classification: Likely benign. Last evaluated: 2016-08-19. Review status: criteria provided, single submitter. Criteria: ACMG Guidelines, 2015. Collection method: clinical testing. Allele origin: germline. Affected: no.

GeneDx
Classification: Benign. Last evaluated: 2015-07-13. Review status: criteria provided, single submitter. Criteria: GeneDx Variant Classification Process June 2021. Collection method: clinical testing. Allele origin: germline. Affected: yes.

Clinical Genetics DNA and cytogenetics Diagnostics Lab, Erasmus MC, Erasmus Medical Center
Classification: Benign. Review status: no assertion criteria provided. Collection method: clinical testing. Allele origin: germline. Affected: yes. Study: VKGL Data-share Consensus. Not counted in ClinVar's aggregate classification.

Department of Pathology and Laboratory Medicine, Sinai Health System
Classification: Likely benign. Review status: no assertion criteria provided. Collection method: clinical testing. Allele origin: unknown. Affected: yes. Study: The Canadian Open Genetics Repository (COGR). Not counted in ClinVar's aggregate classification.
Comment: The AR p.Gln80dup variant was not identified in the literature but was identified in dbSNP (ID: rs3032358). The variant was identified in ClinVar (reported by Invitae as benign for Androgen resistance syndrome and Bulbo-spinal atrophy X-linked, and reported likely benign by Genetics Services Laboratory University of Chicago), Clinvitae, Cosmic (identified in neck tissue from squamous cell carcinoma cells) and LOVD 3.0 (predicted to be benign). The variant was not identified in the following control databases: the 1000 Genomes Project, the NHLBI GO Exome Sequencing Project, the Exome Aggregation Consortium (August 8th 2016), or the Genome Aggregation Database (Feb 27, 2017). This variant is an in-frame insertion resulting in the duplication of a glutamine (gln) residue at codon 80; the impact of this alteration on AR protein function is not known, however this insertion occurs in a variable poly-Q repeat region and was predicted to be a polymorphism by MutationTaster. In summary, based on the above information the clinical significance of this variant cannot be determined with certainty at this time although we would lean towards a more benign role for this variant. This variant is classified as likely benign.

Diagnostic Laboratory, Department of Genetics, University Medical Center Groningen
Classification: Likely benign. Review status: no assertion criteria provided. Collection method: clinical testing. Allele origin: germline. Affected: yes. Study: VKGL Data-share Consensus. Not counted in ClinVar's aggregate classification.

Genome Diagnostics Laboratory, University Medical Center Utrecht
Classification: Benign. Review status: no assertion criteria provided. Collection method: clinical testing. Allele origin: germline. Affected: yes. Study: VKGL Data-share Consensus. Not counted in ClinVar's aggregate classification.

NM_000044.6(AR):c.171GCA[24] (p.Gln80dup)

Genes: AR (androgen receptor; plus strand), LOC109504725 (androgen receptor repeat instability region; plus strand). Cytogenetic location: Xq12.
Variant type: Microsatellite.
Coding change: c.171GCA[24] on transcript NM_000044.6 (MANE Select); 24 copies in a row of the 3-base unit GCA starting at c.171; the reference has 23 copies in a row; one copy, 3 bases duplicated.
Protein change: p.Gln80dup; duplicates glutamine 80.
Molecular consequence: inframe insertion. On other transcripts: 5 prime UTR variant (1).
Genome position (GRCh38, 1-based): chrX:67,545,383-67,545,385, GCA duplicated; duplicating any 3 consecutive bases within chrX:67,545,317-67,545,385 gives the same sequence; the position shown is the placement nearest the transcript's 3' end. VCF-style (leftmost placement, unchanged base first): chrX-67545316-T-TGCA. GRCh37 (hg19) VCF-style: chrX-66765158-T-TGCA.
Other names: c.237_239dupGCA (NM_000044.3, NM_001348064.1); c.-1613GCA[24] (NM_001011645.3); c.171GCA[24], p.Gln80dup (NM_001348061.1, NM_001348063.1, NM_001348064.1).
Identifiers: ClinVar variation 434257 (VCV000434257.70), dbSNP rs3032358, ClinGen allele CA10436230.